The following is an entry in ClinVar:

NM_001130438.3(SPTAN1):c.4921T>G (p.Leu1641Val)

Gene: SPTAN1 (spectrin alpha, non-erythrocytic 1; plus strand). Cytogenetic location: 9q34.11.
Variant type: single nucleotide variant.
Coding change: c.4921T>G on transcript NM_001130438.3 (MANE Select); coding-DNA position 4921, T replaced by G.
Protein change: p.Leu1641Val; replaces leucine 1641 with valine.
Molecular consequence: missense variant.
Genome position (GRCh38, 1-based): chr9:128,612,124, T>G. VCF-style: chr9-128612124-T-G. GRCh37 (hg19) VCF-style: chr9-131374403-T-G.
Other names: c.4846T>G, p.Leu1616Val (NM_001195532.2); c.4921T>G, p.Leu1641Val (NM_001363759.2, NM_001375310.1, NM_001375311.2 and 1 more transcripts); c.4861T>G, p.Leu1621Val (NM_001363765.2, NM_001375314.2); c.4957T>G, p.Leu1653Val (NM_001375312.2, NM_001375318.1); c.4906T>G, p.Leu1636Val (NM_003127.4); short protein forms L1636V, L1653V, L1616V, L1621V, L1641V.
Identifiers: ClinVar variation 3684899 (VCV003684899.2).

ClinVar aggregate classification (germline): Uncertain significance (1 of 4 stars; one submission).

Conditions:
Early-infantile DEE. Also called: Ohtahara syndrome; Early infantile epileptic encephalopathy with suppression bursts; Early infantile epileptic encephalopathy. Identifiers: Orphanet 1934, MedGen C0393706, MONDO:0800491.

Submission:

Labcorp Genetics (formerly Invitae), Labcorp
Classification: Uncertain significance for Early-infantile DEE. Last evaluated: 2024-05-08. Review status: criteria provided, single submitter. Criteria: Invitae Variant Classification Sherloc (09022015). Collection method: clinical testing. Allele origin: germline.
Comment: This sequence change replaces leucine, which is neutral and non-polar, with valine, which is neutral and non-polar, at codon 1641 of the SPTAN1 protein (p.Leu1641Val). This variant is not present in population databases (gnomAD no frequency). This variant has not been reported in the literature in individuals affected with SPTAN1-related conditions. Advanced modeling of protein sequence and biophysical properties (such as structural, functional, and spatial information, amino acid conservation, physicochemical variation, residue mobility, and thermodynamic stability) has been performed at Invitae for this missense variant, however the output from this modeling did not meet the statistical confidence thresholds required to predict the impact of this variant on SPTAN1 protein function. In summary, the available evidence is currently insufficient to determine the role of this variant in disease. Therefore, it has been classified as a Variant of Uncertain Significance.